The following is an entry in ClinVar:

NM_006929.5(SKIC2):c.1452del (p.Val485fs)

Gene: SKIC2 (SKI2 subunit of superkiller complex; plus strand). Cytogenetic location: 6p21.33.
Variant type: Deletion.
Coding change: c.1452del on transcript NM_006929.5 (MANE Select); coding-DNA position 1452, one base deleted (C; older notation c.1452delC).
Protein change: p.Val485fs; shifts the reading frame from valine 485.
Molecular consequence: frameshift variant.
Genome position (GRCh38, 1-based): chr6:31,963,461, C deleted; the last of 4 consecutive C bases (chr6:31,963,458-31,963,461); deleting any one gives the same sequence. VCF-style (leftmost placement, unchanged base first): chr6-31963457-GC-G. GRCh37 (hg19) VCF-style: chr6-31931234-GC-G.
Other names: c.1452delC (NM_006929.4); short protein forms V485fs.
Identifiers: ClinVar variation 1323597 (VCV001323597.12), dbSNP rs750724648, ClinGen allele CA3729485.

ClinVar aggregate classification (germline): Pathogenic/Likely pathogenic. Review status: criteria provided, multiple submitters, no conflicts (2 of 4 stars). 3 submissions from 3 submitters: Pathogenic (2); Likely pathogenic (1). Last evaluated 2025-10-18.

Conditions:
SKIC2-related disorder. Also called: SKIC2-related condition.
Trichohepatoenteric syndrome 2 (THES2). Identifiers: Orphanet 84064, MedGen C3281289, MONDO:0013818, OMIM 614602.

Submissions (3):

Labcorp Genetics (formerly Invitae), Labcorp
Classification: Pathogenic. Last evaluated: 2025-10-18. Review status: criteria provided, single submitter. Criteria: Invitae Variant Classification Sherloc (09022015). Collection method: clinical testing. Allele origin: germline.
Comment: This sequence change creates a premature translational stop signal (p.Val485Cysfs*45) in the SKIV2L gene. It is expected to result in an absent or disrupted protein product. Loss-of-function variants in SKIV2L are known to be pathogenic (PMID: 22444670). This variant is present in population databases (rs750724648, gnomAD 0.005%). This premature translational stop signal has been observed in individual(s) with trichohepatoenteric syndrome (PMID: 29527791). This variant is also known as p.Pro484fs*46. ClinVar contains an entry for this variant (Variation ID: 1323597). For these reasons, this variant has been classified as Pathogenic.

PreventionGenetics, part of Exact Sciences
Classification: Likely pathogenic for SKIC2-related condition. Last evaluated: 2025-03-03. Review status: criteria provided, single submitter. Criteria: ACMG Guidelines, 2015. Collection method: clinical testing. Allele origin: germline.
Comment: The SKIC2 c.1452delC variant is predicted to result in a frameshift and premature protein termination (p.Val485Cysfs*45). This variant has been reported in a large cohort study of individuals with clinical and molecular data supporting a Tricho-Hepatop-Enteric syndrome diagnosis (Bourgeois et al. 2018. PubMed ID: 29527791). This variant is reported in 0.0047% of alleles in individuals of European (Non-Finnish) descent in gnomAD. Frameshift variants in SKIC2 are expected to be pathogenic. This variant is interpreted as likely pathogenic.

Revvity Omics, Revvity
Classification: Pathogenic for Trichohepatoenteric syndrome 2. Last evaluated: 2019-07-16. Review status: criteria provided, single submitter. Criteria: ACMG Guidelines, 2015. Collection method: clinical testing. Allele origin: germline.

Literature cited by the submitters: PubMed 22444670 (cited by Labcorp Genetics (formerly Invitae), Labcorp); PubMed 29527791 (cited by Labcorp Genetics (formerly Invitae), Labcorp).